The following is an entry in ClinVar:

ClinVar aggregate classification (germline): Likely pathogenic (1 of 4 stars; one submission).

Submission:

GeneDx
Classification: Likely pathogenic. Last evaluated: 2024-07-31. Review status: criteria provided, single submitter. Criteria: GeneDx Variant Classification Process June 2021. Collection method: clinical testing. Allele origin: germline. Affected: yes.
Comment: Canonical splice site variant predicted to result in an in-frame loss of the adjacent exon in a gene for which loss of function is a known mechanism of disease; Not observed at significant frequency in large population cohorts (gnomAD); This variant is associated with the following publications: (PMID: 25525159, 18043713, 15959873, 16143553)

NM_004429.5(EFNB1):c.407-2A>G

Gene: EFNB1 (ephrin B1; plus strand). Cytogenetic location: Xq13.1.
Variant type: single nucleotide variant.
Coding change: c.407-2A>G on transcript NM_004429.5 (MANE Select); the canonical splice acceptor site of the intron before coding-DNA position 407, A replaced by G.
Molecular consequence: splice acceptor variant.
Genome position (GRCh38, 1-based): chrX:68,839,662, A>G. VCF-style: chrX-68839662-A-G. GRCh37 (hg19) VCF-style: chrX-68059505-A-G.
Identifiers: ClinVar variation 3602180 (VCV003602180.1).